The following is an entry in ClinVar:

NM_015346.4(ZFYVE26):c.1522A>G (p.Ile508Val)

Gene: ZFYVE26 (zinc finger FYVE-type containing 26; minus strand). Cytogenetic location: 14q24.1.
Variant type: single nucleotide variant.
Coding change: c.1522A>G on transcript NM_015346.4 (MANE Select); coding-DNA position 1522, A replaced by G.
Protein change: p.Ile508Val; replaces isoleucine 508 with valine.
Molecular consequence: missense variant.
Genome position (GRCh38, 1-based): chr14:67,802,196, T>C on the plus strand (A>G on the coding strand, the complement: ZFYVE26 is on the minus strand). VCF-style: chr14-67802196-T-C. GRCh37 (hg19) VCF-style: chr14-68268913-T-C.
Other names: short protein forms I508V.
Identifiers: ClinVar variation 1963286 (VCV001963286.5), dbSNP rs2502867025, ClinGen allele CA390176457.

ClinVar aggregate classification (germline): Uncertain significance (1 of 4 stars; one submission).

Conditions:
Spastic paraplegia. Identifiers: MedGen C0037772, HP:0001258.

Submission:

Labcorp Genetics (formerly Invitae), Labcorp
Classification: Uncertain significance for Spastic paraplegia. Last evaluated: 2022-08-16. Review status: criteria provided, single submitter. Criteria: Invitae Variant Classification Sherloc (09022015). Collection method: clinical testing. Allele origin: germline.
Comment: In summary, the available evidence is currently insufficient to determine the role of this variant in disease. Therefore, it has been classified as a Variant of Uncertain Significance. Algorithms developed to predict the effect of missense changes on protein structure and function output the following: SIFT: "Tolerated"; PolyPhen-2: "Benign"; Align-GVGD: "Class C0". The valine amino acid residue is found in multiple mammalian species, which suggests that this missense change does not adversely affect protein function. This variant has not been reported in the literature in individuals affected with ZFYVE26-related conditions. This variant is not present in population databases (gnomAD no frequency). This sequence change replaces isoleucine, which is neutral and non-polar, with valine, which is neutral and non-polar, at codon 508 of the ZFYVE26 protein (p.Ile508Val).